The following is an entry in ClinVar:

ClinVar aggregate classification (germline): Uncertain significance (1 of 4 stars; one submission).

Conditions:
Hereditary cancer-predisposing syndrome. Also called: Neoplastic Syndromes, Hereditary; Tumor predisposition; Hereditary Cancer Syndrome; Hereditary neoplastic syndrome. Identifiers: Orphanet 140162, MedGen C0027672, MeSH D009386, MONDO:0015356.

Submission:

Ambry Genetics
Classification: Uncertain significance for Hereditary cancer-predisposing syndrome. Last evaluated: 2024-05-11. Review status: criteria provided, single submitter. Criteria: Ambry Variant Classification Scheme 2023. Collection method: clinical testing. Allele origin: germline.
Comment: The p.A2688E variant (also known as c.8063C>A), located in coding exon 54 of the ATM gene, results from a C to A substitution at nucleotide position 8063. The alanine at codon 2688 is replaced by glutamic acid, an amino acid with dissimilar properties. This amino acid position is conserved. In addition, this alteration is predicted to be tolerated by in silico analysis. Based on the available evidence, the clinical significance of this variant remains unclear.

NM_000051.4(ATM):c.8063C>A (p.Ala2688Glu)

Genes: ATM (ATM serine/threonine kinase; plus strand), C11orf65 (chromosome 11 open reading frame 65; minus strand). Cytogenetic location: 11q22.3.
Variant type: single nucleotide variant.
Coding change: c.8063C>A on transcript NM_000051.4 (MANE Select); coding-DNA position 8063, C replaced by A.
Protein change: p.Ala2688Glu; replaces alanine 2688 with glutamic acid.
Molecular consequence: missense variant. On other transcripts: intron variant (2).
Genome position (GRCh38, 1-based): chr11:108,335,021, C>A. VCF-style: chr11-108335021-C-A. GRCh37 (hg19) VCF-style: chr11-108205748-C-A.
Other names: c.8063C>A, p.Ala2688Glu (NM_001351834.2); c.641-25950G>T (NM_001330368.2); c.*38+199G>T (NM_001351110.2); short protein forms A2688E.
Identifiers: ClinVar variation 3322324 (VCV003322324.1).
Genomic context (GRCh38, chr11:108,335,021, plus strand): 5'-TTTATTAGGTGGACCACACAGGAGAATATGGAAATCTGGTGACTATACAGTCATTTAAAG[C>A]AGAATTTCGCTTAGCAGGAGGTGTAAATTTACCAAAAATAATAGATTGTGTAGGTTCCGA-3'
Protein context (NP_000042.3, residues 2678-2698): GNLVTIQSFK[Ala2688Glu]EFRLAGGVNL